The following is an entry in ClinVar:

ClinVar aggregate classification (germline): Likely benign. Review status: criteria provided, multiple submitters, no conflicts (2 of 4 stars). 4 submissions from 4 submitters: Likely benign (4). Last evaluated 2025-05-23.

Conditions:
Osteoporosis with pseudoglioma (OPPG). Also called: osteoporosis-pseudoglioma syndrome. Identifiers: Orphanet 2788, MedGen C0432252, MONDO:0009820, OMIM 259770.
Polycystic liver disease 4 with or without kidney cysts. Identifiers: MedGen C4693479, MONDO:0044327, OMIM 617875.
Worth disease. Also called: Autosomal dominant osteosclerosis, Worth type; ENDOSTEAL HYPEROSTOSIS, AUTOSOMAL DOMINANT; OSTEOSCLEROSIS, AUTOSOMAL DOMINANT. Identifiers: Orphanet 2790, MedGen C0432273, MONDO:0007764, OMIM 144750.
Autosomal dominant osteopetrosis 1 (OPTA1). Also called: OSTEOPETROSIS, AUTOSOMAL DOMINANT, TYPE I. Identifiers: Orphanet 2783, MedGen C1843330, MONDO:0011877, OMIM 607634.
Osteoporosis. Identifiers: MedGen C0029456, MONDO:0005298, OMIM 166710, HP:0000939.
Bone mineral density quantitative trait locus 1 (BMND1). Identifiers: MedGen C1866079, OMIM 601884.
Exudative vitreoretinopathy 4 (EVR4). Identifiers: Orphanet 891, MedGen C1866176, MONDO:0011151, OMIM 601813.
Exudative vitreoretinopathy 1 (EVR1). Also called: FEVR, AUTOSOMAL DOMINANT; Familial exudative vitreoretinopathy, autosomal dominant; CRISWICK-SCHEPENS SYNDROME. Identifiers: Orphanet 891, Orphanet 90050, MedGen C1851402, MONDO:0007589, OMIM 133780.
LRP5-related disorder. Also called: LRP5-related condition.

Allele frequency attached by ClinVar (database versions not stated): gnomAD exomes below 0.00001 and 0.00002; TOPMed 0.00002; ExAC 0.00003; gnomAD 0.00003 and 0.00004.

Submissions (4):

Labcorp Genetics (formerly Invitae), Labcorp
Classification: Likely benign. Last evaluated: 2025-05-23. Review status: criteria provided, single submitter. Criteria: Invitae Variant Classification Sherloc (09022015). Collection method: clinical testing. Allele origin: germline.

PreventionGenetics, part of Exact Sciences
Classification: Likely benign for LRP5-related condition. Last evaluated: 2025-01-22. Review status: criteria provided, single submitter. Criteria: ACMG Guidelines, 2015. Collection method: clinical testing. Allele origin: germline.
Comment: This variant is classified as likely benign based on ACMG/AMP sequence variant interpretation guidelines (Richards et al. 2015 PMID: 25741868, with internal and published modifications).

Blueprint Genetics
Classification: Likely benign. Last evaluated: 2022-09-14. Review status: criteria provided, single submitter. Criteria: ACMG Guidelines, 2015. Collection method: clinical testing. Allele origin: germline.

Fulgent Genetics
Classification: Likely benign for Exudative vitreoretinopathy 1; Worth disease; Osteoporosis; Osteoporosis with pseudoglioma; Exudative vitreoretinopathy 4; Bone mineral density quantitative trait locus 1; Autosomal dominant osteopetrosis 1; Polycystic liver disease 4 with or without kidney cysts. Last evaluated: 2021-07-26. Review status: criteria provided, single submitter. Criteria: ACMG Guidelines, 2015. Collection method: clinical testing. Allele origin: unknown.

NM_002335.4(LRP5):c.924C>T (p.His308=)

Gene: LRP5 (LDL receptor related protein 5; plus strand). Cytogenetic location: 11q13.2.
Variant type: single nucleotide variant.
Coding change: c.924C>T on transcript NM_002335.4 (MANE Select); coding-DNA position 924, C replaced by T.
Protein change: p.His308=; no amino-acid change (histidine 308 retained).
Molecular consequence: synonymous variant. On other transcripts: 5 prime UTR variant (1).
Genome position (GRCh38, 1-based): chr11:68,365,611, C>T. VCF-style: chr11-68365611-C-T. GRCh37 (hg19) VCF-style: chr11-68133079-C-T.
Other names: c.-842C>T (NM_001291902.2); c.924C>T (NM_002335.3).
Identifiers: ClinVar variation 1533114 (VCV001533114.11), dbSNP rs756215440, ClinGen allele CA6149165.